The following is an entry in ClinVar:

NM_000426.4(LAMA2):c.3693del (p.Glu1231fs)

Gene: LAMA2 (laminin subunit alpha 2; plus strand). Cytogenetic location: 6q22.33.
Variant type: Deletion.
Coding change: c.3693del on transcript NM_000426.4 (MANE Select); coding-DNA position 3693, one base deleted (A; older notation c.3693delA).
Protein change: p.Glu1231fs; shifts the reading frame from glutamic acid 1231.
Molecular consequence: frameshift variant.
Genome position (GRCh38, 1-based): chr6:129,315,613, A deleted; the last of 2 consecutive A bases (chr6:129,315,612-129,315,613); deleting either gives the same sequence. VCF-style (leftmost placement, unchanged base first): chr6-129315611-GA-G. GRCh37 (hg19) VCF-style: chr6-129636756-GA-G.
Other names: c.3693del, p.Glu1231fs (NM_001079823.2); short protein forms E1231fs.
Identifiers: ClinVar variation 5015047 (VCV005015047.1).

ClinVar aggregate classification (germline): Pathogenic (1 of 4 stars; one submission).

Conditions:
LAMA2-related muscular dystrophy (LAMA2-RD). Also called: Laminin alpha 2-related dystrophy. Identifiers: MedGen C5679788, MONDO:0100228.

Submission:

Myriad Genetics, Inc.
Classification: Pathogenic for LAMA2-related muscular dystrophy. Last evaluated: 2025-10-04. Review status: criteria provided, single submitter. Criteria: Myriad Autosomal Dominant, Autosomal Recessive and X-Linked Classification Criteria (2023). Collection method: clinical testing. Allele origin: unknown.
Comment: NM_000426.3(LAMA2):c.3693delA(E1231Dfs*16) is expected to be pathogenic in the context of muscular dystrophy, LAMA2-related. This variant is predicted to lead to an abnormal or absent protein product due to the creation of a premature termination codon in LAMA2, a gene where loss-of-function variants are known to be pathogenic. Please note: this variant was assessed in the context of healthy population screening.